The following is an entry in ClinVar:

NM_001130438.3(SPTAN1):c.2894A>G (p.Asp965Gly)

Gene: SPTAN1 (spectrin alpha, non-erythrocytic 1; plus strand). Cytogenetic location: 9q34.11.
Variant type: single nucleotide variant.
Coding change: c.2894A>G on transcript NM_001130438.3 (MANE Select); coding-DNA position 2894, A replaced by G.
Protein change: p.Asp965Gly; replaces aspartic acid 965 with glycine.
Molecular consequence: missense variant.
Genome position (GRCh38, 1-based): chr9:128,588,831, A>G. VCF-style: chr9-128588831-A-G. GRCh37 (hg19) VCF-style: chr9-131351110-A-G.
Other names: c.2894A>G, p.Asp965Gly (NM_001195532.2, NM_001363759.2, NM_001363765.2 and 5 more transcripts); c.2930A>G, p.Asp977Gly (NM_001375312.2, NM_001375318.1); short protein forms D965G, D977G.
Identifiers: ClinVar variation 1703968 (VCV001703968.3), dbSNP rs2541322842, ClinGen allele CA375059719.

ClinVar aggregate classification (germline): Uncertain significance (1 of 4 stars; one submission).

Submission:

GeneDx
Classification: Uncertain significance. Last evaluated: 2026-01-29. Review status: criteria provided, single submitter. Criteria: GeneDx Variant Classification Process June 2021. Collection method: clinical testing. Allele origin: germline. Affected: yes.
Comment: Not observed at significant frequency in large population cohorts (gnomAD); In silico analysis suggests that this missense variant does not alter protein structure/function; Has not been previously published as pathogenic or benign to our knowledge